The following is an entry in ClinVar:

ClinVar aggregate classification (germline): Uncertain significance (1 of 4 stars; one submission).

Conditions:
Baller-Gerold syndrome (BGS). Also called: CRANIOSYNOSTOSIS WITH RADIAL DEFECTS. Identifiers: Orphanet 1225, MedGen C0265308, MONDO:0009039, OMIM 218600.

Allele frequency attached by ClinVar (database versions not stated): gnomAD exomes below 0.00001.
gnomAD v4.1: 1 of 1,612,406 alleles (0.000062%); highest among the groups gnomAD compares: Non-Finnish European, 0.000085%; no homozygotes.

Submission:

Labcorp Genetics (formerly Invitae), Labcorp
Classification: Uncertain significance for Baller-Gerold syndrome. Last evaluated: 2021-05-01. Review status: criteria provided, single submitter. Criteria: Invitae Variant Classification Sherloc (09022015). Collection method: clinical testing. Allele origin: germline.
Comment: In summary, the available evidence is currently insufficient to determine the role of this variant in disease. Therefore, it has been classified as a Variant of Uncertain Significance. Experimental studies and prediction algorithms are not available or were not evaluated, and the functional significance of this variant is currently unknown. This variant has not been reported in the literature in individuals with RECQL4-related conditions. This variant is not present in population databases (ExAC no frequency). This sequence change replaces glutamine with histidine at codon 1050 of the RECQL4 protein (p.Gln1050His). The glutamine residue is highly conserved and there is a small physicochemical difference between glutamine and histidine.

NM_004260.4(RECQL4):c.3150G>C (p.Gln1050His)

Gene: RECQL4 (RecQ like helicase 4; minus strand). Cytogenetic location: 8q24.3.
Variant type: single nucleotide variant.
Coding change: c.3150G>C on transcript NM_004260.4 (MANE Select); coding-DNA position 3150, G replaced by C.
Protein change: p.Gln1050His; replaces glutamine 1050 with histidine.
Molecular consequence: missense variant.
Genome position (GRCh38, 1-based): chr8:144,512,230, C>G on the plus strand (G>C on the coding strand, the complement: RECQL4 is on the minus strand). VCF-style: chr8-144512230-C-G. GRCh37 (hg19) VCF-style: chr8-145737613-C-G.
Other names: short protein forms Q1050H.
Identifiers: ClinVar variation 1392294 (VCV001392294.6), dbSNP rs2130659036, ClinGen allele CA372670230.